The following is an entry in ClinVar:

NM_001382391.1(CSPP1):c.1991T>C (p.Met664Thr)

Gene: CSPP1 (centrosome and spindle pole associated protein 1; plus strand). Cytogenetic location: 8q13.2.
Variant type: single nucleotide variant.
Coding change: c.1991T>C on transcript NM_001382391.1 (MANE Select); coding-DNA position 1991, T replaced by C.
Protein change: p.Met664Thr; replaces methionine 664 with threonine.
Molecular consequence: missense variant. On other transcripts: intron variant (3).
Genome position (GRCh38, 1-based): chr8:67,149,798, T>C. VCF-style: chr8-67149798-T-C. GRCh37 (hg19) VCF-style: chr8-68062033-T-C.
Other names: c.1910T>C, p.Met637Thr (NM_001363131.2); c.2057T>C, p.Met686Thr (NM_001364869.1); c.1877T>C, p.Met626Thr (NM_001364870.1); c.1976T>C, p.Met659Thr (NM_024790.7); c.1934-4226T>C (NM_001363132.2); c.1853-4226T>C (NM_001363133.2); c.1079-4226T>C (NM_001291339.2); short protein forms M659T, M626T, M637T, M664T, M686T.
Identifiers: ClinVar variation 2096207 (VCV002096207.4), dbSNP rs2489381707, ClinGen allele CA371186036.
Genomic context (GRCh38, chr8:67,149,798, plus strand): 5'-CAGAAATGTGTTTATTGAAATAAATGGCTTATTTTTTCCTCTCAGCTGATTTGAATAGGA[T>C]GCACAGACAAAATATAGATGCCTACCATAACCCAGATGCAAGAACATATGAAGATAAAAG-3'
Protein context (NP_001369320.1, residues 654-674): KGNLITDLNR[Met664Thr]HRQNIDAYHN

ClinVar aggregate classification (germline): Uncertain significance (1 of 4 stars; one submission).

Conditions:
Joubert syndrome 21 (JBTS21). Identifiers: MedGen C3810212, MONDO:0014288, OMIM 615636.

Submission:

Labcorp Genetics (formerly Invitae), Labcorp
Classification: Uncertain significance for Joubert syndrome 21. Last evaluated: 2022-09-13. Review status: criteria provided, single submitter. Criteria: Invitae Variant Classification Sherloc (09022015). Collection method: clinical testing. Allele origin: germline.
Comment: This sequence change replaces methionine, which is neutral and non-polar, with threonine, which is neutral and polar, at codon 659 of the CSPP1 protein (p.Met659Thr). This variant is not present in population databases (gnomAD no frequency). This variant has not been reported in the literature in individuals affected with CSPP1-related conditions. Algorithms developed to predict the effect of missense changes on protein structure and function are either unavailable or do not agree on the potential impact of this missense change (SIFT: "Deleterious"; PolyPhen-2: "Probably Damaging"; Align-GVGD: "Class C0"). In summary, the available evidence is currently insufficient to determine the role of this variant in disease. Therefore, it has been classified as a Variant of Uncertain Significance.